The following is an entry in ClinVar:

NM_020745.4(AARS2):c.2345C>T (p.Thr782Ile)

Gene: AARS2 (alanyl-tRNA synthetase 2, mitochondrial; minus strand). Cytogenetic location: 6p21.1.
Variant type: single nucleotide variant.
Coding change: c.2345C>T on transcript NM_020745.4 (MANE Select); coding-DNA position 2345, C replaced by T.
Protein change: p.Thr782Ile; replaces threonine 782 with isoleucine.
Molecular consequence: missense variant.
Genome position (GRCh38, 1-based): chr6:44,302,821, G>A on the plus strand (C>T on the coding strand, the complement: AARS2 is on the minus strand). VCF-style: chr6-44302821-G-A. GRCh37 (hg19) VCF-style: chr6-44270558-G-A.
Other names: short protein forms T782I.
Identifiers: ClinVar variation 427119 (VCV000427119.3), dbSNP rs1085307969, ClinGen allele CA364337105.

ClinVar aggregate classification (germline): Likely pathogenic. Review status: criteria provided, multiple submitters, no conflicts (2 of 4 stars). 2 submissions from 2 submitters: Likely pathogenic (2). Last evaluated 2025-08-07.

Conditions:
Leukoencephalopathy, progressive, with ovarian failure (LKENP). Identifiers: Orphanet 99853, MedGen C4014588, MONDO:0014387, OMIM 615889.
Combined oxidative phosphorylation defect type 8. Also called: CARDIOMYOPATHY, HYPERTROPHIC MITOCHONDRIAL, FATAL INFANTILE. Identifiers: Orphanet 319504, MedGen C4518839, MONDO:0013570, OMIM 614096.

Allele frequency attached by ClinVar (database versions not stated): gnomAD exomes below 0.00001.
gnomAD v4.1: 1 of 1,613,860 alleles (0.000062%); highest among the groups gnomAD compares: Non-Finnish European, 0.000085%; no homozygotes.

Submissions (2):

First Genomix Gene Laboratory, Genetic Diagnostics Department
Classification: Likely pathogenic for Combined oxidative phosphorylation defect type 8; Leukoencephalopathy, progressive, with ovarian failure. Last evaluated: 2025-08-07. Review status: criteria provided, single submitter. Criteria: ACMG Guidelines, 2015. Collection method: clinical testing. Allele origin: germline. Inheritance: Autosomal recessive inheritance. Affected: no. Observed: 1 variant allele.

GeneDx
Classification: Likely pathogenic. Last evaluated: 2015-05-29. Review status: criteria provided, single submitter. Criteria: GeneDx Variant Classification (06012015). Collection method: clinical testing. Allele origin: germline. Affected: yes.
Comment: The T782I variant in the AARS2 gene has not been published as a pathogenic variant, nor has it been reported as a benign polymorphism to our knowledge. The T782I variant was not observed in approximately 6500 individuals of European and African American ancestry in the NHLBI Exome Sequencing Project, indicating it is not a common benign variant in these populations. The T782I variant is a non-conservative amino acid substitution, which occurs at a position that is conserved across species. In silico analysis predicts this variant is probably damaging to the protein structure/function. The T782I variant is a strong candidate for a disease-causing variant, however the possibility it may be a rare benign variant cannot be excluded.